The following is an entry in ClinVar:

ClinVar aggregate classification (germline): Uncertain significance (1 of 4 stars; one submission).

gnomAD v4.1: 7 of 1,614,084 alleles (0.00043%); highest among the groups gnomAD compares: East Asian, 0.0089%; no homozygotes.

Submission:

Labcorp Genetics (formerly Invitae), Labcorp
Classification: Uncertain significance. Last evaluated: 2020-05-22. Review status: criteria provided, single submitter. Criteria: Invitae Variant Classification Sherloc (09022015). Collection method: clinical testing. Allele origin: germline.
Comment: In summary, the available evidence is currently insufficient to determine the role of this variant in disease. Therefore, it has been classified as a Variant of Uncertain Significance. Algorithms developed to predict the effect of missense changes on protein structure and function output the following: SIFT: "Tolerated"; PolyPhen-2: "Benign"; Align-GVGD: "Class C0". The aspartic acid amino acid residue is found in multiple mammalian species, suggesting that this missense change does not adversely affect protein function. These predictions have not been confirmed by published functional studies and their clinical significance is uncertain. This variant has not been reported in the literature in individuals with C8orf37-related conditions. This variant is present in population databases (rs771447966, ExAC 0.01%). This sequence change replaces glycine with aspartic acid at codon 25 of the C8orf37 protein (p.Gly25Asp). The glycine residue is moderately conserved and there is a moderate physicochemical difference between glycine and aspartic acid.

NM_177965.4(CFAP418):c.74G>A (p.Gly25Asp)

Genes: CFAP418 (cilia and flagella associated protein 418; minus strand), CFAP418-AS1 (CFAP418 antisense RNA 1; plus strand), LOC130000784 (ATAC-STARR-seq lymphoblastoid active region 27655; plus strand). Cytogenetic location: 8q22.1.
Variant type: single nucleotide variant.
Coding change: c.74G>A on transcript NM_177965.4 (MANE Select); coding-DNA position 74, G replaced by A.
Protein change: p.Gly25Asp; replaces glycine 25 with aspartic acid.
Molecular consequence: missense variant.
Genome position (GRCh38, 1-based): chr8:95,269,116, C>T on the plus strand (G>A on the coding strand, the complement: CFAP418 is on the minus strand). VCF-style: chr8-95269116-C-T. GRCh37 (hg19) VCF-style: chr8-96281344-C-T.
Other names: c.74G>A, p.Gly25Asp (NM_001363260.1); short protein forms G25D.
Identifiers: ClinVar variation 1010828 (VCV001010828.9), dbSNP rs771447966, ClinGen allele CA4815283.